The following is an entry in ClinVar:

NM_005585.5(SMAD6):c.659C>T (p.Ala220Val)

Gene: SMAD6 (SMAD family member 6; plus strand). Cytogenetic location: 15q22.31.
Variant type: single nucleotide variant.
Coding change: c.659C>T on transcript NM_005585.5 (MANE Select); coding-DNA position 659, C replaced by T.
Protein change: p.Ala220Val; replaces alanine 220 with valine.
Molecular consequence: missense variant. On other transcripts: non-coding transcript variant (1).
Genome position (GRCh38, 1-based): chr15:66,703,917, C>T. VCF-style: chr15-66703917-C-T. GRCh37 (hg19) VCF-style: chr15-66996255-C-T.
Other names: short protein forms A220V.
Identifiers: ClinVar variation 3251496 (VCV003251496.1), dbSNP rs1250653616.

ClinVar aggregate classification (germline): Uncertain significance (1 of 4 stars; one submission).

Allele frequency attached by ClinVar (database versions not stated): TOPMed below 0.00001.

Submission:

Women's Health and Genetics/Laboratory Corporation of America, LabCorp
Classification: Uncertain significance. Last evaluated: 2024-04-29. Review status: criteria provided, single submitter. Criteria: LabCorp Variant Classification Summary - May 2015. Collection method: clinical testing. Allele origin: germline.
Comment: Variant summary: SMAD6 c.659C>T (p.Ala220Val) results in a non-conservative amino acid change located in the MAD homology 1, Dwarfin-type domain of the encoded protein sequence. Three of five in-silico tools predict a benign effect of the variant on protein function. The frequency data for this variant in gnomAD is considered unreliable, as metrics indicate poor data quality at this position. To our knowledge, no occurrence of c.659C>T in individuals affected with Aortic Valve Disease and no experimental evidence demonstrating its impact on protein function have been reported. No submitters have cited clinical-significance assessments for this variant to ClinVar. Based on the evidence outlined above, the variant was classified as uncertain significance.